The following is an entry in ClinVar:

ClinVar aggregate classification (germline): Conflicting classifications of pathogenicity. Review status: criteria provided, conflicting classifications (1 of 4 stars). 3 submissions from 3 submitters: Uncertain significance (2); Likely benign (1). Last evaluated 2026-01-25.

Conditions:
Camptomelic dysplasia (CMPD). Also called: CMPD1/SRA1; Campomelic Dysplasia. Identifiers: Orphanet 140, MedGen C1861922, MONDO:0007251, OMIM 114290.

Allele frequency attached by ClinVar (database versions not stated): gnomAD exomes below 0.00001; TOPMed below 0.00001.
gnomAD v4.1: 4 of 1,613,958 alleles (0.00025%); highest among the groups gnomAD compares: South Asian, 0.0022%; no homozygotes.

Submissions (3):

Centre for Medical Genetics,  Mumbai
Classification: Likely benign for Camptomelic dysplasia. Last evaluated: 2026-01-25. Review status: criteria provided, single submitter. Criteria: ACMG Guidelines, 2015. Collection method: provider interpretation. Allele origin: germline. Inheritance: Autosomal dominant inheritance. Affected: no. Observed: 1 heterozygote.
Comment: The variant satisfies PM2 criteria: Extremely low frequency in gnomAD population databases. The variant satisfies PP3 criteria: For a missense or a splicing region variant, computational prediction tools unanimously support a deleterious effect on the gene. The variant satisfies PM1 criteria: Non-truncating non-synonymous variant is located in a mutational hot spot and/or critical and well-established functional domain. However, the variant satisfies the BS2 criteria; Hence, the variant is considered likely benign.

3billion
Classification: Uncertain significance for Camptomelic dysplasia. Last evaluated: 2025-12-17. Review status: criteria provided, single submitter. Criteria: ACMG Guidelines, 2015. Collection method: clinical testing. Allele origin: germline. Affected: yes.
Comment: The variant is observed at an extremely low frequency in the gnomAD v4.1.0 dataset (total allele frequency: <0.001%). Predicted Consequence/Location: Missense variant In silico tool predictions suggest damaging effect of the variant on gene or gene product [REVEL: 0.76 (>=0.6, sensitivity 0.68 and specificity 0.92); 3Cnet: 0.84 (> 0.75, sensitivity 0.96 and precision 0.92)]. The variant has been reported as of uncertain significance (ClinVar ID: VCV002794715). The evidence of pathogenicity is insufficient at this time. Therefore, this variant is classified as VUS according to the recommendation of ACMG/AMP guideline.

Labcorp Genetics (formerly Invitae), Labcorp
Classification: Uncertain significance for Camptomelic dysplasia. Last evaluated: 2022-12-19. Review status: criteria provided, single submitter. Criteria: Invitae Variant Classification Sherloc (09022015). Collection method: clinical testing. Allele origin: germline.
Comment: In summary, the available evidence is currently insufficient to determine the role of this variant in disease. Therefore, it has been classified as a Variant of Uncertain Significance. Advanced modeling of protein sequence and biophysical properties (such as structural, functional, and spatial information, amino acid conservation, physicochemical variation, residue mobility, and thermodynamic stability) performed at Invitae indicates that this missense variant is expected to disrupt SOX9 protein function. This variant has not been reported in the literature in individuals affected with SOX9-related conditions. This variant is not present in population databases (gnomAD no frequency). This sequence change replaces glutamic acid, which is acidic and polar, with glutamine, which is neutral and polar, at codon 148 of the SOX9 protein (p.Glu148Gln).

Literature cited by the submitters: PubMed 7990924 (cited by Centre for Medical Genetics,  Mumbai).

NM_000346.4(SOX9):c.442G>C (p.Glu148Gln)

Gene: SOX9 (SRY-box transcription factor 9; plus strand). Cytogenetic location: 17q24.3.
Variant type: single nucleotide variant.
Coding change: c.442G>C on transcript NM_000346.4 (MANE Select); coding-DNA position 442, G replaced by C.
Protein change: p.Glu148Gln; replaces glutamic acid 148 with glutamine.
Molecular consequence: missense variant.
Genome position (GRCh38, 1-based): chr17:72,122,729, G>C. VCF-style: chr17-72122729-G-C. GRCh37 (hg19) VCF-style: chr17-70118870-G-C.
Other names: short protein forms E148Q.
Identifiers: ClinVar variation 2794715 (VCV002794715.5), dbSNP rs886041242, ClinGen allele CA400866301.